The following is an entry in ClinVar:

NM_003072.5(SMARCA4):c.1182G>A (p.Gly394=)

Gene: SMARCA4 (SWI/SNF related BAF chromatin remodeling complex subunit ATPase 4; plus strand). Cytogenetic location: 19p13.2.
Variant type: single nucleotide variant.
Coding change: c.1182G>A on transcript NM_003072.5 (MANE Select); coding-DNA position 1182, G replaced by A.
Protein change: p.Gly394=; no amino-acid change (glycine 394 retained).
Molecular consequence: synonymous variant. On other transcripts: non-coding transcript variant (1).
Genome position (GRCh38, 1-based): chr19:10,989,380, G>A. VCF-style: chr19-10989380-G-A. GRCh37 (hg19) VCF-style: chr19-11100056-G-A.
Other names: c.1182G>A, p.Gly394= (NM_001128844.3, NM_001128845.2, NM_001128846.2 and 4 more transcripts).
Identifiers: ClinVar variation 721334 (VCV000721334.39), dbSNP rs760199461, ClinGen allele CA9203713.

ClinVar aggregate classification (germline): Benign/Likely benign. Review status: criteria provided, multiple submitters, no conflicts (2 of 4 stars). 6 submissions from 6 submitters: Benign (1); Likely benign (4). 1 of the submissions does not count toward it. Last evaluated 2026-07-09.

Conditions:
SMARCA4-related disorder. Also called: SMARCA4-related condition.
Rhabdoid tumor predisposition syndrome 2 (RTPS2). Identifiers: Orphanet 231108, Orphanet 69077, MedGen C2750074, MONDO:0013224, OMIM 613325.
Hereditary cancer-predisposing syndrome. Also called: Hereditary neoplastic syndrome; Neoplastic Syndromes, Hereditary; Tumor predisposition; Hereditary Cancer Syndrome. Identifiers: Orphanet 140162, MedGen C0027672, MeSH D009386, MONDO:0015356.

Allele frequency attached by ClinVar (database versions not stated): gnomAD exomes below 0.00001; ExAC 0.00001.
gnomAD v4.1: 5 of 1,614,202 alleles (0.00031%); highest among the groups gnomAD compares: Non-Finnish European, 0.00034%; no homozygotes.

Submissions (6):

Myriad Genetics, Inc.
Classification: Benign for Rhabdoid tumor predisposition syndrome 2. Last evaluated: 2026-07-09. Review status: criteria provided, single submitter. Criteria: Myriad Autosomal Dominant, Autosomal Recessive and X-Linked Classification Criteria (2023). Collection method: clinical testing. Allele origin: unknown.
Comment: This variant is considered benign. This variant is a silent/synonymous amino acid change and it is not expected to impact splicing.

Labcorp Genetics (formerly Invitae), Labcorp
Classification: Likely benign for Rhabdoid tumor predisposition syndrome 2. Last evaluated: 2025-11-25. Review status: criteria provided, single submitter. Criteria: Invitae Variant Classification Sherloc (09022015). Collection method: clinical testing. Allele origin: germline.

Blueprint Genetics
Classification: Likely benign. Last evaluated: 2024-03-04. Review status: criteria provided, single submitter. Criteria: ACMG Guidelines, 2015. Collection method: clinical testing. Allele origin: germline.

CeGaT Center for Human Genetics Tuebingen
Classification: Likely benign. Last evaluated: 2023-12-01. Review status: criteria provided, single submitter. Criteria: CeGaT Center For Human Genetics Tuebingen Variant Classification Criteria Version 2. Collection method: clinical testing. Allele origin: germline. Affected: yes. Observed: 1 variant allele.
Comment: SMARCA4: BP4, BP7

Ambry Genetics
Classification: Likely benign for Hereditary cancer-predisposing syndrome. Last evaluated: 2019-09-04. Review status: criteria provided, single submitter. Criteria: Ambry Variant Classification Scheme 2023. Collection method: clinical testing. Allele origin: germline.

PreventionGenetics, part of Exact Sciences
Classification: Likely benign for SMARCA4-related condition. Last evaluated: 2024-01-29. Review status: no assertion criteria provided. Collection method: clinical testing. Allele origin: germline. Not counted in ClinVar's aggregate classification.
Comment: This variant is classified as likely benign based on ACMG/AMP sequence variant interpretation guidelines (Richards et al. 2015 PMID: 25741868, with internal and published modifications).